The following is an entry in ClinVar:

NM_001290060.2(SEMA3B):c.338G>A (p.Cys113Tyr)

Gene: SEMA3B (semaphorin 3B; plus strand). Cytogenetic location: 3p21.31.
Variant type: single nucleotide variant.
Coding change: c.338G>A on transcript NM_001290060.2 (MANE Select); coding-DNA position 338, G replaced by A.
Protein change: p.Cys113Tyr; replaces cysteine 113 with tyrosine.
Molecular consequence: missense variant.
Genome position (GRCh38, 1-based): chr3:50,270,897, G>A. VCF-style: chr3-50270897-G-A. GRCh37 (hg19) VCF-style: chr3-50308328-G-A.
Other names: c.338G>A, p.Cys113Tyr (NM_001005914.3, NM_001290061.1, NM_001435956.1 and 3 more transcripts); short protein forms C113Y.
Identifiers: ClinVar variation 4982036 (VCV004982036.1).
Genomic context (GRCh38, chr3:50,270,897, plus strand): 5'-GACCTCTTAAGGCTACGTCCCTGGGGGAAGCCTCACACCTCCAACCCTACTAGACTGAGT[G>A]CATGAACTTCGTGAAGTTGCTGCATGCCTACAACCGCACCCATTTGCTGGCCTGTGGCAC-3'
Protein context (NP_001276989.1, residues 103-123): NWAGKDIGTE[Cys113Tyr]MNFVKLLHAY

ClinVar aggregate classification (germline): Uncertain significance (1 of 4 stars; one submission).

Conditions:
SEMA3B-related disorder. Also called: SEMA3B-related condition.

gnomAD v4.1: 2 of 1,604,668 alleles (0.00012%); highest among the groups gnomAD compares: Non-Finnish European, 0.00017%; no homozygotes.

Submission:

PreventionGenetics, part of Exact Sciences
Classification: Uncertain significance for SEMA3B-related condition. Last evaluated: 2025-04-11. Review status: criteria provided, single submitter. Criteria: ACMG Guidelines, 2015. Collection method: clinical testing. Allele origin: germline.
Comment: The SEMA3B c.338G>A variant is predicted to result in the amino acid substitution p.Cys113Tyr. To our knowledge, this variant has not been reported in the literature. This variant is reported in 0.00082% of alleles in individuals of European (Non-Finnish) descent in gnomAD. At this time, the clinical significance of this variant is uncertain due to the absence of conclusive functional and genetic evidence.